The following is an entry in ClinVar:

NM_012096.3(APPL1):c.1898G>A (p.Arg633His)

Genes: APPL1 (adaptor protein, phosphotyrosine interacting with PH domain and leucine zipper 1; plus strand), ASB14 (ankyrin repeat and SOCS box containing 14; minus strand). Cytogenetic location: 3p14.3.
Variant type: single nucleotide variant.
Coding change: c.1898G>A on transcript NM_012096.3 (MANE Select); coding-DNA position 1898, G replaced by A.
Protein change: p.Arg633His; replaces arginine 633 with histidine.
Molecular consequence: missense variant. On other transcripts: 3 prime UTR variant (2).
Genome position (GRCh38, 1-based): chr3:57,268,402, G>A. VCF-style: chr3-57268402-G-A. GRCh37 (hg19) VCF-style: chr3-57302430-G-A.
Other names: c.*1239C>T (NM_001142733.3, NM_130387.5); c.1898G>A (NM_012096.2); short protein forms R633H.
Identifiers: ClinVar variation 2717386 (VCV002717386.6), dbSNP rs138693457, ClinGen allele CA2463979.
Genomic context (GRCh38, chr3:57,268,402, plus strand): 5'-TAAAATTTAAAGTTATTTCATATTTAATTCATTAGTTTTATTCATCTGTTCTTTAGGATC[G>A]TAGGGCATCAGAAAAACAAAAAGAAATAGAGAGAGTAAAAGAGAAGCAACAGAAAGAACT-3'
Protein context (NP_036228.1, residues 623-643): KQIALHAELD[Arg633His]RASEKQKEIE

ClinVar aggregate classification (germline): Uncertain significance. Review status: criteria provided, multiple submitters, no conflicts (2 of 4 stars). 3 submissions from 3 submitters: Uncertain significance (3). Last evaluated 2025-03-05.

Allele frequency attached by ClinVar (database versions not stated): gnomAD 0.00007; ESP Exome Variant Server 0.00008; TOPMed 0.00008; ExAC 0.00009.
gnomAD v4.1: 61 of 1,570,960 alleles (0.0039%); highest among the groups gnomAD compares: East Asian, 0.0068%; no homozygotes.

Submissions (3):

Ambry Genetics
Classification: Uncertain significance. Last evaluated: 2025-03-05. Review status: criteria provided, single submitter. Criteria: Ambry Variant Classification Scheme 2023. Collection method: clinical testing. Allele origin: germline.

Women's Health and Genetics/Laboratory Corporation of America, LabCorp
Classification: Uncertain significance. Last evaluated: 2025-01-07. Review status: criteria provided, single submitter. Criteria: LabCorp Variant Classification Summary - May 2015. Collection method: clinical testing. Allele origin: germline.
Comment: Variant summary: APPL1 c.1898G>A (p.Arg633His) results in a non-conservative amino acid change located in the PTB/PI domain (IPR006020) of the encoded protein sequence. Three of five in-silico tools predict a benign effect of the variant on protein function. The variant allele was found at a frequency of 6.4e-05 in 234020 control chromosomes (gnomAD). This frequency is not significantly higher than estimated for a pathogenic variant in APPL1 causing Maturity-Onset Diabetes Of The Young Type 14, allowing no conclusion about variant significance. c.1898G>A has been reported in the literature in at least one diabetic patient (Shi_2024). The report does not provide unequivocal conclusions about association of the variant with Maturity-Onset Diabetes Of The Young Type 14. At least one publication reports experimental evidence evaluating an impact on protein function and this variant may disrupt the interaction of APPL1 with other macromolecules (Shi_2024). The following publications have been ascertained in the context of this evaluation (PMID: 38464380, 33046911). ClinVar contains an entry for this variant (Variation ID: 2717386). Based on the evidence outlined above, the variant was classified as uncertain significance.

Labcorp Genetics (formerly Invitae), Labcorp
Classification: Uncertain significance. Last evaluated: 2024-04-16. Review status: criteria provided, single submitter. Criteria: Invitae Variant Classification Sherloc (09022015). Collection method: clinical testing. Allele origin: germline.
Comment: This sequence change replaces arginine, which is basic and polar, with histidine, which is basic and polar, at codon 633 of the APPL1 protein (p.Arg633His). This variant is present in population databases (rs138693457, gnomAD 0.01%). This variant has not been reported in the literature in individuals affected with APPL1-related conditions. An algorithm developed to predict the effect of missense changes on protein structure and function (PolyPhen-2) suggests that this variant is likely to be disruptive. In summary, the available evidence is currently insufficient to determine the role of this variant in disease. Therefore, it has been classified as a Variant of Uncertain Significance.

Literature cited by the submitters: PubMed 33046911 (cited by Women's Health and Genetics/Laboratory Corporation of America, LabCorp); PubMed 38464380 (cited by Women's Health and Genetics/Laboratory Corporation of America, LabCorp).